The following is an entry in ClinVar:

NM_000548.5(TSC2):c.192T>G (p.Ile64Met)

Gene: TSC2 (TSC complex subunit 2; plus strand). Cytogenetic location: 16p13.3.
Variant type: single nucleotide variant.
Coding change: c.192T>G on transcript NM_000548.5 (MANE Select); coding-DNA position 192, T replaced by G.
Protein change: p.Ile64Met; replaces isoleucine 64 with methionine.
Molecular consequence: missense variant. On other transcripts: 5 prime UTR variant (20), non-coding transcript variant (5).
Genome position (GRCh38, 1-based): chr16:2,050,453, T>G. VCF-style: chr16-2050453-T-G. GRCh37 (hg19) VCF-style: chr16-2100454-T-G.
Other names: c.192T>G, p.Ile64Met (NM_001077183.3, NM_001114382.3, NM_001318827.2 and 13 more transcripts); c.45T>G, p.Ile15Met (NM_001318829.2, NM_001406675.1, NM_001406676.1 and 2 more transcripts); c.-35T>G (NM_001318831.2, NM_001406682.1, NM_001406684.1 and 3 more transcripts); c.225T>G, p.Ile75Met (NM_001318832.2); c.-625T>G (NM_001406680.1, NM_001406683.1, NM_001406687.1); c.-254T>G (NM_001406681.1); c.-1240T>G (NM_001406689.1, NM_001406690.1, NM_001406691.1 and 2 more transcripts); c.-1546T>G (NM_001406693.1); and 3 more; short protein forms I15M, I64M, I75M.
Identifiers: ClinVar variation 3462643 (VCV003462643.1).

ClinVar aggregate classification (germline): Uncertain significance (1 of 4 stars; one submission).

Conditions:
Hereditary cancer-predisposing syndrome. Also called: Tumor predisposition; Neoplastic Syndromes, Hereditary; Hereditary neoplastic syndrome; Hereditary Cancer Syndrome. Identifiers: Orphanet 140162, MedGen C0027672, MeSH D009386, MONDO:0015356.

Submission:

Ambry Genetics
Classification: Uncertain significance for Hereditary cancer-predisposing syndrome. Last evaluated: 2024-10-11. Review status: criteria provided, single submitter. Criteria: Ambry Variant Classification Scheme 2023. Collection method: clinical testing. Allele origin: germline.
Comment: The p.I64M variant (also known as c.192T>G), located in coding exon 2 of the TSC2 gene, results from a T to G substitution at nucleotide position 192. The isoleucine at codon 64 is replaced by methionine, an amino acid with highly similar properties. This amino acid position is conserved. In addition, this alteration is predicted to be tolerated by in silico analysis. Based on the available evidence, the clinical significance of this variant remains unclear.